The following is an entry in ClinVar:

NM_032785.4(AGBL4):c.300T>C (p.Ile100=)

Gene: AGBL4 (AGBL carboxypeptidase 4; minus strand). Cytogenetic location: 1p33.
Variant type: single nucleotide variant.
Coding change: c.300T>C on transcript NM_032785.4 (MANE Select); coding-DNA position 300, T replaced by C.
Protein change: p.Ile100=; no amino-acid change (isoleucine 100 retained).
Molecular consequence: synonymous variant. On other transcripts: non-coding transcript variant (1).
Genome position (GRCh38, 1-based): chr1:49,245,847, A>G on the plus strand (T>C on the coding strand, the complement: AGBL4 is on the minus strand). VCF-style: chr1-49245847-A-G. GRCh37 (hg19) VCF-style: chr1-49711519-A-G.
Other names: c.336T>C, p.Ile112= (NM_001323573.2, NM_001323574.2); c.300T>C, p.Ile100= (NM_001323575.2).
Identifiers: ClinVar variation 3050134 (VCV003050134.2), dbSNP rs770755809, ClinGen allele CA845171.

ClinVar aggregate classification (germline): Likely benign (0 of 4 stars; one submission).

Conditions:
AGBL4-related disorder. Also called: AGBL4-related condition.

Allele frequency attached by ClinVar (database versions not stated): TOPMed 0.00008; ExAC 0.00009; gnomAD 0.00017; gnomAD exomes 0.00023.
gnomAD v4.1: 333 of 1,548,772 alleles (0.022%); highest among the groups gnomAD compares: Non-Finnish European, 0.026%; no homozygotes.

Submission:

PreventionGenetics, part of Exact Sciences
Classification: Likely benign for AGBL4-related condition. Last evaluated: 2019-07-11. Review status: no assertion criteria provided. Collection method: clinical testing. Allele origin: germline.
Comment: This variant is classified as likely benign based on ACMG/AMP sequence variant interpretation guidelines (Richards et al. 2015 PMID: 25741868, with internal and published modifications).